The following is an entry in ClinVar:

NM_018718.3(CEP41):c.200C>T (p.Ala67Val)

Gene: CEP41 (centrosomal protein 41; minus strand). Cytogenetic location: 7q32.2.
Variant type: single nucleotide variant.
Coding change: c.200C>T on transcript NM_018718.3 (MANE Select); coding-DNA position 200, C replaced by T.
Protein change: p.Ala67Val; replaces alanine 67 with valine.
Molecular consequence: missense variant. On other transcripts: non-coding transcript variant (1).
Genome position (GRCh38, 1-based): chr7:130,412,186, G>A on the plus strand (C>T on the coding strand, the complement: CEP41 is on the minus strand). VCF-style: chr7-130412186-G-A. GRCh37 (hg19) VCF-style: chr7-130052027-G-A.
Other names: c.200C>T, p.Ala67Val (NM_001257158.2); c.152C>T, p.Ala51Val (NM_001257159.2); short protein forms A51V, A67V.
Identifiers: ClinVar variation 1018189 (VCV001018189.8), dbSNP rs782426353, ClinGen allele CA4485646.

ClinVar aggregate classification (germline): Uncertain significance (1 of 4 stars; one submission).

Conditions:
Joubert syndrome 15 (JBTS15). Identifiers: Orphanet 475, MedGen C3280897, MONDO:0013763, OMIM 614464.

Allele frequency attached by ClinVar (database versions not stated): gnomAD exomes below 0.00001; ExAC 0.00001; gnomAD 0.00001; TOPMed 0.00001.
gnomAD v4.1: 2 of 1,544,200 alleles (0.00013%); no homozygotes.

Submission:

Labcorp Genetics (formerly Invitae), Labcorp
Classification: Uncertain significance for Joubert syndrome 15. Last evaluated: 2022-07-19. Review status: criteria provided, single submitter. Criteria: Invitae Variant Classification Sherloc (09022015). Collection method: clinical testing. Allele origin: germline.
Comment: In summary, the available evidence is currently insufficient to determine the role of this variant in disease. Therefore, it has been classified as a Variant of Uncertain Significance. Algorithms developed to predict the effect of missense changes on protein structure and function are either unavailable or do not agree on the potential impact of this missense change (SIFT: "Deleterious"; PolyPhen-2: "Benign"; Align-GVGD: "Class C55"). ClinVar contains an entry for this variant (Variation ID: 1018189). This variant has not been reported in the literature in individuals affected with CEP41-related conditions. This variant is present in population databases (rs782426353, gnomAD 0.006%). This sequence change replaces alanine, which is neutral and non-polar, with valine, which is neutral and non-polar, at codon 67 of the CEP41 protein (p.Ala67Val).